The following is an entry in ClinVar:

ClinVar aggregate classification (germline): Pathogenic/Likely pathogenic. Review status: criteria provided, multiple submitters, no conflicts (2 of 4 stars). 2 submissions from 2 submitters: Pathogenic (1); Likely pathogenic (1). Last evaluated 2024-04-11.

Conditions:
Severe combined immunodeficiency disease. Also called: Severe combined immunodeficiency; Severe Combined Immune Deficiency. Identifiers: Orphanet 183660, MedGen C0085110, MeSH D016511, MONDO:0015974, HP:0004430. Inheritance: X-Linked or Autosomal recessive.
Gastrointestinal defects and immunodeficiency syndrome 1 (GIDID1). Also called: Combined immunodeficiency-enteropathy spectrum. Identifiers: Orphanet 436252, MedGen C5968858, MONDO:0800030, OMIM 243150.

Submissions (2):

Fulgent Genetics
Classification: Likely pathogenic for Gastrointestinal defects and immunodeficiency syndrome 1. Last evaluated: 2024-04-11. Review status: criteria provided, single submitter. Criteria: ACMG Guidelines, 2015. Collection method: clinical testing. Allele origin: germline.

Women's Health and Genetics/Laboratory Corporation of America, LabCorp
Classification: Pathogenic for Severe combined immunodeficiency disease. Last evaluated: 2024-04-08. Review status: criteria provided, single submitter. Criteria: LabCorp Variant Classification Summary - May 2015. Collection method: clinical testing. Allele origin: germline.
Comment: Variant summary: TTC7A c.2056_2059delinsTAGT (p.Glu686X) results in a premature termination codon, predicted to cause absence of the protein due to nonsense mediated decay, which is a commonly known mechanism for disease. The variant was absent in 249126 control chromosomes (gnomAD). To our knowledge, no occurrence of c.2056_2059delinsTAGT in individuals affected with Severe Combined Immunodeficiency and no experimental evidence demonstrating its impact on protein function have been reported. No submitters have cited clinical-significance assessments for this variant to ClinVar. Based on the evidence outlined above, the variant was classified as pathogenic.

NM_020458.4(TTC7A):c.2056_2059delinsTAGT (p.Glu686_Glu687delinsTer)

Gene: TTC7A (tetratricopeptide repeat domain 7A; plus strand). Cytogenetic location: 2p21.
Variant type: Indel.
Coding change: c.2056_2059delinsTAGT on transcript NM_020458.4 (MANE Select); coding-DNA positions 2056 to 2059, GAGG replaced by TAGT.
Protein change: p.Glu686_Glu687delinsTer.
Molecular consequence: nonsense.
Genome position (GRCh38, 1-based): chr2:47,051,784-47,051,787, GAGG replaced by TAGT. VCF-style: chr2-47051784-GAGG-TAGT. GRCh37 (hg19) VCF-style: chr2-47278923-GAGG-TAGT.
Other names: c.2128_2131delinsTAGT, p.Glu710_Glu711delinsTer (NM_001288951.2); c.1954_1957delinsTAGT, p.Glu652_Glu653delinsTer (NM_001288953.2); c.994_997delinsTAGT, p.Glu332_Glu333delinsTer (NM_001288955.2); c.2128_2131delinsTAGT (NM_001288951.1).
Identifiers: ClinVar variation 3251463 (VCV003251463.2), dbSNP rs2467087753.